The following is an entry in ClinVar:

ClinVar aggregate classification (germline): Uncertain significance. Review status: criteria provided, multiple submitters, no conflicts (2 of 4 stars). 2 submissions from 2 submitters: Uncertain significance (2). Last evaluated 2024-08-20.

Conditions:
Inborn genetic diseases. Identifiers: MedGen C0950123, MeSH D030342.

Allele frequency attached by ClinVar (database versions not stated): ExAC 0.00002; TOPMed 0.00002; gnomAD 0.00003; ESP Exome Variant Server 0.00008.
gnomAD v4.1: 28 of 1,612,686 alleles (0.0017%); highest among the groups gnomAD compares: Middle Eastern, 0.02%; no homozygotes.

Submissions (2):

Ambry Genetics
Classification: Uncertain significance for Inborn genetic diseases. Last evaluated: 2024-08-20. Review status: criteria provided, single submitter. Criteria: Ambry Variant Classification Scheme 2023. Collection method: clinical testing. Allele origin: germline.

Labcorp Genetics (formerly Invitae), Labcorp
Classification: Uncertain significance. Last evaluated: 2022-07-25. Review status: criteria provided, single submitter. Criteria: Invitae Variant Classification Sherloc (09022015). Collection method: clinical testing. Allele origin: germline.
Comment: ClinVar contains an entry for this variant (Variation ID: 1501786). In summary, the available evidence is currently insufficient to determine the role of this variant in disease. Therefore, it has been classified as a Variant of Uncertain Significance. Algorithms developed to predict the effect of missense changes on protein structure and function are either unavailable or do not agree on the potential impact of this missense change (SIFT: "Not Available"; PolyPhen-2: "Possibly Damaging"; Align-GVGD: "Not Available"). This variant has not been reported in the literature in individuals affected with UNC45A-related conditions. This variant is present in population databases (rs144101058, gnomAD 0.004%). This sequence change replaces alanine, which is neutral and non-polar, with threonine, which is neutral and polar, at codon 428 of the UNC45A protein (p.Ala428Thr).

NM_018671.5(UNC45A):c.1282G>A (p.Ala428Thr)

Gene: UNC45A (unc-45 myosin chaperone A; plus strand). Cytogenetic location: 15q26.1.
Variant type: single nucleotide variant.
Coding change: c.1282G>A on transcript NM_018671.5 (MANE Select); coding-DNA position 1282, G replaced by A.
Protein change: p.Ala428Thr; replaces alanine 428 with threonine.
Molecular consequence: missense variant.
Genome position (GRCh38, 1-based): chr15:90,946,696, G>A. VCF-style: chr15-90946696-G-A. GRCh37 (hg19) VCF-style: chr15-91489926-G-A.
Other names: c.1237G>A, p.Ala413Thr (NM_001039675.2, NM_001323621.2); c.1282G>A, p.Ala428Thr (NM_001323619.1); c.847G>A, p.Ala283Thr (NM_001323620.2); c.1282G>A (NM_018671.3); short protein forms A283T, A428T, A413T.
Identifiers: ClinVar variation 1501786 (VCV001501786.7), dbSNP rs144101058, ClinGen allele CA7742848.